The following is an entry in ClinVar:

NM_004186.5(SEMA3F):c.2101G>A (p.Ala701Thr)

Gene: SEMA3F (semaphorin 3F; plus strand). Cytogenetic location: 3p21.31.
Variant type: single nucleotide variant.
Coding change: c.2101G>A on transcript NM_004186.5 (MANE Select); coding-DNA position 2101, G replaced by A.
Protein change: p.Ala701Thr; replaces alanine 701 with threonine.
Molecular consequence: missense variant.
Genome position (GRCh38, 1-based): chr3:50,187,858, G>A. VCF-style: chr3-50187858-G-A. GRCh37 (hg19) VCF-style: chr3-50225291-G-A.
Other names: c.1804G>A, p.Ala602Thr (NM_001318798.2); c.2008G>A, p.Ala670Thr (NM_001318800.2); c.2101G>A (NM_004186.4); short protein forms A602T, A670T, A701T.
Identifiers: ClinVar variation 2411749 (VCV002411749.5), dbSNP rs757018373, ClinGen allele CA2412337.
Genomic context (GRCh38, chr3:50,187,858, plus strand): 5'-ACTGAGAACAACTTTAAGCACGTCGTCACACGAGTGCAGCTGCATGTACTGGGCCGGGAC[G>A]CCGTCCATGCTGCCCTCTTCCCACCACTGTCCATGAGCGCCCCGCCACCCCCAGGCGCAG-3'
Protein context (NP_004177.3, residues 691-711): RVQLHVLGRD[Ala701Thr]VHAALFPPLS

ClinVar aggregate classification (germline): Uncertain significance. Review status: criteria provided, multiple submitters, no conflicts (2 of 4 stars). 2 submissions from 2 submitters: Uncertain significance (2). Last evaluated 2026-09-24.

Conditions:
SEMA3F-related disorder. Also called: SEMA3F-related condition.

Allele frequency attached by ClinVar (database versions not stated): gnomAD 0.00002; TOPMed 0.00005.
gnomAD v4.1: 65 of 1,613,036 alleles (0.004%); highest among the groups gnomAD compares: African/African-American, 0.0053%; no homozygotes.

Submissions (2):

PreventionGenetics, part of Exact Sciences
Classification: Uncertain significance for SEMA3F-related condition. Last evaluated: 2026-09-24. Review status: criteria provided, single submitter. Criteria: ACMG Guidelines, 2015. Collection method: clinical testing. Allele origin: germline.
Comment: The SEMA3F c.2101G>A variant is predicted to result in the amino acid substitution p.Ala701Thr. To our knowledge, this variant has not been reported in the literature. This variant is reported in 0.0045% of alleles in individuals of European (Non-Finnish) descent in gnomAD. At this time, the clinical significance of this variant is uncertain due to the absence of conclusive functional and genetic evidence.

Ambry Genetics
Classification: Uncertain significance. Last evaluated: 2021-06-23. Review status: criteria provided, single submitter. Criteria: Ambry Variant Classification Scheme 2023. Collection method: clinical testing. Allele origin: germline.